The following is an entry in ClinVar:

ClinVar aggregate classification (germline): Uncertain significance. Review status: criteria provided, multiple submitters, no conflicts (2 of 4 stars). 2 submissions from 2 submitters: Uncertain significance (2). Last evaluated 2022-07-23.

Conditions:
Autosomal recessive ataxia, Beauce type. Also called: Spinocerebellar ataxia, autosomal recessive 8; ATAXIA, RECESSIVE, OF BEAUCE; SYNE1 Deficiency; SYNE1-Related Autosomal Recessive Cerebellar Ataxia. Identifiers: Orphanet 88644, MedGen C1853116, MONDO:0012549, OMIM 610743.
Emery-Dreifuss muscular dystrophy 4, autosomal dominant (EDMD4). Also called: EMERY-DREIFUSS MUSCULAR DYSTROPHY 4 WITH VARIABLE FEATURES. Identifiers: Orphanet 261, MedGen C2751807, MONDO:0013071, OMIM 612998.

Allele frequency attached by ClinVar (database versions not stated): TOPMed 0.00001; ExAC 0.00002; gnomAD exomes 0.00002.
gnomAD v4.1: 21 of 1,614,180 alleles (0.0013%); highest among the groups gnomAD compares: Non-Finnish European, 0.0017%; no homozygotes.

Submissions (2):

Labcorp Genetics (formerly Invitae), Labcorp
Classification: Uncertain significance for Emery-Dreifuss muscular dystrophy 4, autosomal dominant; Autosomal recessive ataxia, Beauce type. Last evaluated: 2022-07-23. Review status: criteria provided, single submitter. Criteria: Invitae Variant Classification Sherloc (09022015). Collection method: clinical testing. Allele origin: germline.
Comment: This sequence change replaces isoleucine, which is neutral and non-polar, with valine, which is neutral and non-polar, at codon 2786 of the SYNE1 protein (p.Ile2786Val). This variant is present in population databases (rs746384150, gnomAD 0.004%). This variant has not been reported in the literature in individuals affected with SYNE1-related conditions. ClinVar contains an entry for this variant (Variation ID: 285699). Algorithms developed to predict the effect of missense changes on protein structure and function output the following: SIFT: "Tolerated"; PolyPhen-2: "Benign"; Align-GVGD: "Class C0". The valine amino acid residue is found in multiple mammalian species, which suggests that this missense change does not adversely affect protein function. In summary, the available evidence is currently insufficient to determine the role of this variant in disease. Therefore, it has been classified as a Variant of Uncertain Significance.

Eurofins Ntd Llc (ga)
Classification: Uncertain significance. Last evaluated: 2016-02-01. Review status: criteria provided, single submitter. Criteria: EGL Classification Definitions 2015. Collection method: clinical testing. Allele origin: germline. Observed: 1 variant allele, 1 heterozygote.

NM_182961.4(SYNE1):c.8335A>G (p.Ile2779Val)

Gene: SYNE1 (spectrin repeat containing nuclear envelope protein 1; minus strand). Cytogenetic location: 6q25.2.
Variant type: single nucleotide variant.
Coding change: c.8335A>G on transcript NM_182961.4 (MANE Select); coding-DNA position 8335, A replaced by G.
Protein change: p.Ile2779Val; replaces isoleucine 2779 with valine.
Molecular consequence: missense variant.
Genome position (GRCh38, 1-based): chr6:152,387,224, T>C on the plus strand (A>G on the coding strand, the complement: SYNE1 is on the minus strand). VCF-style: chr6-152387224-T-C. GRCh37 (hg19) VCF-style: chr6-152708359-T-C.
Other names: c.8356A>G, p.Ile2786Val (NM_033071.5); short protein forms I2779V, I2786V.
Identifiers: ClinVar variation 285699 (VCV000285699.10), dbSNP rs746384150, ClinGen allele CA4057569.
Genomic context (GRCh38, chr6:152,387,224, plus strand): 5'-CCCTGGACTTCGCAATTAGACGGTGAAGGGCTCTCGTGTGATCTTCTGCCTCAGACAGGA[T>C]GGACTGGAGGTGGTCAAGCAGGACGAACTTCTCTTTCAGACCTGGCTGTGGTTGTAAGGG-3'
Protein context (NP_892006.3, residues 2769-2789): KFVLLDHLQS[Ile2779Val]LSEAEDHTRA